The following is an entry in ClinVar:

NM_015450.3(POT1):c.1059A>T (p.Lys353Asn)

Gene: POT1 (protection of telomeres 1; minus strand). Cytogenetic location: 7q31.33.
Variant type: single nucleotide variant.
Coding change: c.1059A>T on transcript NM_015450.3 (MANE Select); coding-DNA position 1059, A replaced by T.
Protein change: p.Lys353Asn; replaces lysine 353 with asparagine.
Molecular consequence: missense variant. On other transcripts: non-coding transcript variant (3).
Genome position (GRCh38, 1-based): chr7:124,842,911, T>A on the plus strand (A>T on the coding strand, the complement: POT1 is on the minus strand). VCF-style: chr7-124842911-T-A. GRCh37 (hg19) VCF-style: chr7-124482965-T-A.
Other names: c.666A>T, p.Lys222Asn (NM_001042594.2); short protein forms K222N, K353N.
Identifiers: ClinVar variation 3684553 (VCV003684553.2).

ClinVar aggregate classification (germline): Uncertain significance (1 of 4 stars; one submission).

Conditions:
Tumor predisposition syndrome 3 (TPDS3). Also called: Glioma susceptibility 9; LONG TELOMERE SYNDROME, POT1-RELATED; POT1 Tumor Predisposition; Melanoma, cutaneous malignant, susceptibility to, 10. Identifiers: Orphanet 618, MedGen C4014476, MONDO:0014368, OMIM 615848.

Submission:

Labcorp Genetics (formerly Invitae), Labcorp
Classification: Uncertain significance for Tumor predisposition syndrome 3. Last evaluated: 2024-04-02. Review status: criteria provided, single submitter. Criteria: Invitae Variant Classification Sherloc (09022015). Collection method: clinical testing. Allele origin: germline.
Comment: This sequence change replaces lysine, which is basic and polar, with asparagine, which is neutral and polar, at codon 353 of the POT1 protein (p.Lys353Asn). This variant is not present in population databases (gnomAD no frequency). This variant has not been reported in the literature in individuals affected with POT1-related conditions. Advanced modeling of protein sequence and biophysical properties (such as structural, functional, and spatial information, amino acid conservation, physicochemical variation, residue mobility, and thermodynamic stability) performed at Invitae indicates that this missense variant is not expected to disrupt POT1 protein function with a negative predictive value of 80%. In summary, the available evidence is currently insufficient to determine the role of this variant in disease. Therefore, it has been classified as a Variant of Uncertain Significance.